The following is an entry in ClinVar:

ClinVar aggregate classification (germline): Likely benign. Review status: criteria provided, single submitter (1 of 4 stars). 2 submissions from 2 submitters: Likely benign (1). 1 of the submissions does not count toward it. Last evaluated 2023-12-04.

Conditions:
PCNT-related disorder. Also called: PCNT-related condition.

gnomAD v4.1: 2 of 1,613,750 alleles (0.00012%); highest among the groups gnomAD compares: African/African-American, 0.0013%; no homozygotes.

Submissions (2):

Labcorp Genetics (formerly Invitae), Labcorp
Classification: Likely benign. Last evaluated: 2023-12-04. Review status: criteria provided, single submitter. Criteria: Invitae Variant Classification Sherloc (09022015). Collection method: clinical testing. Allele origin: germline.

PreventionGenetics, part of Exact Sciences
Classification: Likely benign for PCNT-related condition. Last evaluated: 2024-02-27. Review status: no assertion criteria provided. Collection method: clinical testing. Allele origin: germline. Not counted in ClinVar's aggregate classification.
Comment: This variant is classified as likely benign based on ACMG/AMP sequence variant interpretation guidelines (Richards et al. 2015 PMID: 25741868, with internal and published modifications).

NM_006031.6(PCNT):c.9393+9G>T

Gene: PCNT (pericentrin; plus strand). Cytogenetic location: 21q22.3.
Variant type: single nucleotide variant.
Coding change: c.9393+9G>T on transcript NM_006031.6 (MANE Select); 9 bases into the intron after coding-DNA position 9393, G replaced by T.
Molecular consequence: intron variant.
Genome position (GRCh38, 1-based): chr21:46,440,211, G>T. VCF-style: chr21-46440211-G-T. GRCh37 (hg19) VCF-style: chr21-47860124-G-T.
Other names: c.8802+9G>T (NM_001315529.2); c.9393+9G>T (NM_006031.5).
Identifiers: ClinVar variation 2879468 (VCV002879468.4), dbSNP rs562812369, ClinGen allele CA1022915618.